The following is an entry in ClinVar:

NM_001376.5(DYNC1H1):c.461G>A (p.Ser154Asn)

Gene: DYNC1H1 (dynein cytoplasmic 1 heavy chain 1; plus strand). Cytogenetic location: 14q32.31.
Variant type: single nucleotide variant.
Coding change: c.461G>A on transcript NM_001376.5 (MANE Select); coding-DNA position 461, G replaced by A.
Protein change: p.Ser154Asn; replaces serine 154 with asparagine.
Molecular consequence: missense variant.
Genome position (GRCh38, 1-based): chr14:101,979,435, G>A. VCF-style: chr14-101979435-G-A. GRCh37 (hg19) VCF-style: chr14-102445772-G-A.
Other names: short protein forms S154N.
Identifiers: ClinVar variation 2743800 (VCV002743800.3), dbSNP rs2503678117, ClinGen allele CA391007650.

ClinVar aggregate classification (germline): Uncertain significance (1 of 4 stars; one submission).

Conditions:
Charcot-Marie-Tooth disease axonal type 2O. Also called: CHARCOT-MARIE-TOOTH NEUROPATHY, AXONAL, TYPE 2O; CHARCOT-MARIE-TOOTH DISEASE, AXONAL, AUTOSOMAL DOMINANT, TYPE 2O; Charcot-Marie-Tooth Neuropathy Type 2O; Charcot-Marie-Tooth disease, axonal, type 20. Identifiers: Orphanet 284232, MedGen C3280220, MONDO:0013644, OMIM 614228.

Submission:

Labcorp Genetics (formerly Invitae), Labcorp
Classification: Uncertain significance for Charcot-Marie-Tooth disease axonal type 2O. Last evaluated: 2023-07-16. Review status: criteria provided, single submitter. Criteria: Invitae Variant Classification Sherloc (09022015). Collection method: clinical testing. Allele origin: germline.
Comment: In summary, the available evidence is currently insufficient to determine the role of this variant in disease. Therefore, it has been classified as a Variant of Uncertain Significance. Advanced modeling of protein sequence and biophysical properties (such as structural, functional, and spatial information, amino acid conservation, physicochemical variation, residue mobility, and thermodynamic stability) performed at Invitae indicates that this missense variant is not expected to disrupt DYNC1H1 protein function. This variant has not been reported in the literature in individuals affected with DYNC1H1-related conditions. This variant is not present in population databases (gnomAD no frequency). This sequence change replaces serine, which is neutral and polar, with asparagine, which is neutral and polar, at codon 154 of the DYNC1H1 protein (p.Ser154Asn).